The following is an entry in ClinVar:

ClinVar aggregate classification (germline): Uncertain significance. Review status: criteria provided, multiple submitters, no conflicts (2 of 4 stars). 2 submissions from 2 submitters: Uncertain significance (2). Last evaluated 2024-12-12.

Conditions:
Inborn genetic diseases. Identifiers: MedGen C0950123, MeSH D030342.
Severe combined immunodeficiency, autosomal recessive, T cell-negative, B cell-negative, NK cell-positive. Also called: SCID, AR, T-cell negative, B-cell negative, NK cell-positive; SCID, T CELL-NEGATIVE, B CELL-NEGATIVE, NK CELL-POSITIVE; Severe combined immunodeficiency due to complete RAG1/2 deficiency. Identifiers: Orphanet 331206, MedGen C1832322, MONDO:0011086, OMIM 601457.
Combined immunodeficiency with skin granulomas. Identifiers: Orphanet 157949, MedGen C2673536, MONDO:0009306, OMIM 233650.

Allele frequency attached by ClinVar (database versions not stated): TOPMed below 0.00001; gnomAD exomes 0.00001.
gnomAD v4.1: 11 of 1,614,194 alleles (0.00068%); highest among the groups gnomAD compares: Non-Finnish European, 0.00085%; no homozygotes.

Submissions (2):

Ambry Genetics
Classification: Uncertain significance for Inborn genetic diseases. Last evaluated: 2024-12-12. Review status: criteria provided, single submitter. Criteria: Ambry Variant Classification Scheme 2023. Collection method: clinical testing. Allele origin: germline.

Labcorp Genetics (formerly Invitae), Labcorp
Classification: Uncertain significance for Combined immunodeficiency with skin granulomas; Severe combined immunodeficiency, autosomal recessive, T cell-negative, B cell-negative, NK cell-positive. Last evaluated: 2024-04-15. Review status: criteria provided, single submitter. Criteria: Invitae Variant Classification Sherloc (09022015). Collection method: clinical testing. Allele origin: germline.
Comment: This sequence change replaces histidine, which is basic and polar, with arginine, which is basic and polar, at codon 769 of the RAG1 protein (p.His769Arg). This variant is not present in population databases (gnomAD no frequency). This variant has not been reported in the literature in individuals affected with RAG1-related conditions. Advanced modeling of protein sequence and biophysical properties (such as structural, functional, and spatial information, amino acid conservation, physicochemical variation, residue mobility, and thermodynamic stability) performed at Invitae indicates that this missense variant is not expected to disrupt RAG1 protein function with a negative predictive value of 80%. In summary, the available evidence is currently insufficient to determine the role of this variant in disease. Therefore, it has been classified as a Variant of Uncertain Significance.

NM_000448.3(RAG1):c.2306A>G (p.His769Arg)

Gene: RAG1 (recombination activating 1; plus strand). Cytogenetic location: 11p12.
Variant type: single nucleotide variant.
Coding change: c.2306A>G on transcript NM_000448.3 (MANE Select); coding-DNA position 2306, A replaced by G.
Protein change: p.His769Arg; replaces histidine 769 with arginine.
Molecular consequence: missense variant.
Genome position (GRCh38, 1-based): chr11:36,575,610, A>G. VCF-style: chr11-36575610-A-G. GRCh37 (hg19) VCF-style: chr11-36597160-A-G.
Other names: c.2306A>G, p.His769Arg (NM_001377277.1, NM_001377278.1, NM_001377279.1 and 1 more transcripts); short protein forms H769R.
Identifiers: ClinVar variation 2938920 (VCV002938920.4), dbSNP rs984404819, ClinGen allele CA220601462.
Genomic context (GRCh38, chr11:36,575,610, plus strand): 5'-TAACCAGAAGCCATGCTGAGAACCTGGAACGTTATGAGGTCTGGCGTTCCAACCCTTACC[A>G]TGAGTCTGTGGAAGAACTGCGGGATCGGGTGAAAGGGGTCTCAGCTAAACCTTTCATTGA-3'
Protein context (NP_000439.2, residues 759-779): RYEVWRSNPY[His769Arg]ESVEELRDRV